The following is an entry in ClinVar:

ClinVar aggregate classification (germline): Uncertain significance (1 of 4 stars; one submission).

Allele frequency attached by ClinVar (database versions not stated): gnomAD exomes below 0.00001.
gnomAD v4.1: 1 of 1,614,044 alleles (0.000062%); highest among the groups gnomAD compares: Non-Finnish European, 0.000085%; no homozygotes.

Submission:

CeGaT Center for Human Genetics Tuebingen
Classification: Uncertain significance. Last evaluated: 2024-02-01. Review status: criteria provided, single submitter. Criteria: CeGaT Center For Human Genetics Tuebingen Variant Classification Criteria Version 2. Collection method: clinical testing. Allele origin: germline. Affected: yes. Observed: 1 variant allele.
Comment: KIAA1549: PM2

NM_001164665.2(KIAA1549):c.4139C>T (p.Pro1380Leu)

Gene: KIAA1549 (KIAA1549; minus strand). Cytogenetic location: 7q34.
Variant type: single nucleotide variant.
Coding change: c.4139C>T on transcript NM_001164665.2 (MANE Select); coding-DNA position 4139, C replaced by T.
Protein change: p.Pro1380Leu; replaces proline 1380 with leucine.
Molecular consequence: missense variant.
Genome position (GRCh38, 1-based): chr7:138,881,478, G>A on the plus strand (C>T on the coding strand, the complement: KIAA1549 is on the minus strand). VCF-style: chr7-138881478-G-A. GRCh37 (hg19) VCF-style: chr7-138566224-G-A.
Other names: c.4139C>T, p.Pro1380Leu (NM_020910.3); short protein forms P1380L.
Identifiers: ClinVar variation 3026549 (VCV003026549.22), dbSNP rs1352932900, ClinGen allele CA369377346.